The following is an entry in ClinVar:

ClinVar aggregate classification (germline): Uncertain significance (1 of 4 stars; one submission).

gnomAD v4.1: 5 of 1,614,070 alleles (0.00031%); highest among the groups gnomAD compares: Non-Finnish European, 0.00034%; no homozygotes.

Submission:

Labcorp Genetics (formerly Invitae), Labcorp
Classification: Uncertain significance. Last evaluated: 2025-04-29. Review status: criteria provided, single submitter. Criteria: Invitae Variant Classification Sherloc (09022015). Collection method: clinical testing. Allele origin: germline.
Comment: This sequence change replaces arginine, which is basic and polar, with glutamine, which is neutral and polar, at codon 34 of the APOA1 protein (p.Arg34Gln). This variant is present in population databases (no rsID available, gnomAD 0.002%). This variant has not been reported in the literature in individuals affected with APOA1-related conditions. ClinVar contains an entry for this variant (Variation ID: 3603895). Invitae Evidence Modeling of protein sequence and biophysical properties (such as structural, functional, and spatial information, amino acid conservation, physicochemical variation, residue mobility, and thermodynamic stability) indicates that this missense variant is not expected to disrupt APOA1 protein function with a negative predictive value of 95%. In summary, the available evidence is currently insufficient to determine the role of this variant in disease. Therefore, it has been classified as a Variant of Uncertain Significance.

NM_000039.3(APOA1):c.101G>A (p.Arg34Gln)

Genes: APOA1 (apolipoprotein A1; minus strand), APOA1-AS (APOA1 antisense RNA; plus strand). Cytogenetic location: 11q23.3.
Variant type: single nucleotide variant.
Coding change: c.101G>A on transcript NM_000039.3 (MANE Select); coding-DNA position 101, G replaced by A.
Protein change: p.Arg34Gln; replaces arginine 34 with glutamine.
Molecular consequence: missense variant. On other transcripts: 5 prime UTR variant (2), intron variant (1).
Genome position (GRCh38, 1-based): chr11:116,837,100, C>T on the plus strand (G>A on the coding strand, the complement: APOA1 is on the minus strand). VCF-style: chr11-116837100-C-T. GRCh37 (hg19) VCF-style: chr11-116707816-C-T.
Other names: c.101G>A, p.Arg34Gln (NM_001318017.2, NM_001318018.2, NM_001425090.1 and 1 more transcripts); c.-227G>A (NM_001318021.2, NM_001425092.1); c.-128+245G>A (NM_001425091.1); short protein forms R34Q.
Identifiers: ClinVar variation 3603895 (VCV003603895.2).